The following is an entry in ClinVar:

NM_021927.3(GUF1):c.1013G>A (p.Cys338Tyr)

Gene: GUF1 (GTP binding elongation factor GUF1; plus strand). Cytogenetic location: 4p12.
Variant type: single nucleotide variant.
Coding change: c.1013G>A on transcript NM_021927.3 (MANE Select); coding-DNA position 1013, G replaced by A.
Protein change: p.Cys338Tyr; replaces cysteine 338 with tyrosine.
Molecular consequence: missense variant.
Genome position (GRCh38, 1-based): chr4:44,688,081, G>A. VCF-style: chr4-44688081-G-A. GRCh37 (hg19) VCF-style: chr4-44690098-G-A.
Other names: c.41G>A, p.Cys14Tyr (NM_001345867.2, NM_001345869.2); c.1013G>A, p.Cys338Tyr (NM_001345868.2); short protein forms C14Y, C338Y.
Identifiers: ClinVar variation 2164160 (VCV002164160.4), dbSNP rs763180260, ClinGen allele CA2905507.
Genomic context (GRCh38, chr4:44,688,081, plus strand): 5'-TGGGCTATCTGATTGCTGGGATGAAAGATGTCACTGAAGCGCAAATAGGAGATACATTAT[G>A]TTTACATAAGCAACCAGTGGAGCCCTTGCCTGGGTTTAAATCAGCGAAACCAATGGTATT-3'
Protein context (NP_068746.2, residues 328-348): VTEAQIGDTL[Cys338Tyr]LHKQPVEPLP

ClinVar aggregate classification (germline): Uncertain significance (1 of 4 stars; one submission).

Allele frequency attached by ClinVar (database versions not stated): gnomAD exomes below 0.00001; ExAC 0.00001; gnomAD 0.00001; TOPMed 0.00004.
gnomAD v4.1: 6 of 1,612,290 alleles (0.00037%); highest among the groups gnomAD compares: African/African-American, 0.008%; no homozygotes.

Submission:

Labcorp Genetics (formerly Invitae), Labcorp
Classification: Uncertain significance. Last evaluated: 2025-01-27. Review status: criteria provided, single submitter. Criteria: Invitae Variant Classification Sherloc (09022015). Collection method: clinical testing. Allele origin: germline.
Comment: This sequence change replaces cysteine, which is neutral and slightly polar, with tyrosine, which is neutral and polar, at codon 338 of the GUF1 protein (p.Cys338Tyr). This variant is present in population databases (rs763180260, gnomAD 0.008%). This variant has not been reported in the literature in individuals affected with GUF1-related conditions. ClinVar contains an entry for this variant (Variation ID: 2164160). Invitae Evidence Modeling of protein sequence and biophysical properties (such as structural, functional, and spatial information, amino acid conservation, physicochemical variation, residue mobility, and thermodynamic stability) indicates that this missense variant is not expected to disrupt GUF1 protein function with a negative predictive value of 80%. In summary, the available evidence is currently insufficient to determine the role of this variant in disease. Therefore, it has been classified as a Variant of Uncertain Significance.